The following is an entry in ClinVar:

NM_182746.3(MCM4):c.1414G>A (p.Glu472Lys)

Gene: MCM4 (minichromosome maintenance complex component 4; plus strand). Cytogenetic location: 8q11.21.
Variant type: single nucleotide variant.
Coding change: c.1414G>A on transcript NM_182746.3 (MANE Select); coding-DNA position 1414, G replaced by A.
Protein change: p.Glu472Lys; replaces glutamic acid 472 with lysine.
Molecular consequence: missense variant.
Genome position (GRCh38, 1-based): chr8:47,970,037, G>A. VCF-style: chr8-47970037-G-A. GRCh37 (hg19) VCF-style: chr8-48882597-G-A.
Other names: c.1414G>A, p.Glu472Lys (NM_005914.4); short protein forms E472K.
Identifiers: ClinVar variation 1478050 (VCV001478050.8), dbSNP rs751760886, ClinGen allele CA4742602.

ClinVar aggregate classification (germline): Uncertain significance (1 of 4 stars; one submission).

Allele frequency attached by ClinVar (database versions not stated): TOPMed below 0.00001; ExAC 0.00002; gnomAD exomes 0.00002.

Submission:

Labcorp Genetics (formerly Invitae), Labcorp
Classification: Uncertain significance. Last evaluated: 2023-04-24. Review status: criteria provided, single submitter. Criteria: Invitae Variant Classification Sherloc (09022015). Collection method: clinical testing. Allele origin: germline.
Comment: Advanced modeling of protein sequence and biophysical properties (such as structural, functional, and spatial information, amino acid conservation, physicochemical variation, residue mobility, and thermodynamic stability) has been performed at Invitae for this missense variant, however the output from this modeling did not meet the statistical confidence thresholds required to predict the impact of this variant on MCM4 protein function. In summary, the available evidence is currently insufficient to determine the role of this variant in disease. Therefore, it has been classified as a Variant of Uncertain Significance. ClinVar contains an entry for this variant (Variation ID: 1478050). This variant has not been reported in the literature in individuals affected with MCM4-related conditions. This variant is present in population databases (rs751760886, gnomAD 0.01%). This sequence change replaces glutamic acid, which is acidic and polar, with lysine, which is basic and polar, at codon 472 of the MCM4 protein (p.Glu472Lys).